The following is an entry in ClinVar:

NM_000268.4(NF2):c.1580A>T (p.Glu527Val)

Gene: NF2 (NF2, moesin-ezrin-radixin like (MERLIN) tumor suppressor; plus strand). Cytogenetic location: 22q12.2.
Variant type: single nucleotide variant.
Coding change: c.1580A>T on transcript NM_000268.4 (MANE Select); coding-DNA position 1580, A replaced by T.
Protein change: p.Glu527Val; replaces glutamic acid 527 with valine.
Molecular consequence: missense variant. On other transcripts: non-coding transcript variant (1), intron variant (1).
Genome position (GRCh38, 1-based): chr22:29,681,444, A>T. VCF-style: chr22-29681444-A-T. GRCh37 (hg19) VCF-style: chr22-30077433-A-T.
Other names: c.1466A>T, p.Glu489Val (NM_001407053.1, NM_001407056.1); c.1457A>T, p.Glu486Val (NM_001407054.1, NM_001407058.1, NM_181829.3); c.1454A>T, p.Glu485Val (NM_001407055.1, NM_181828.3); c.1445A>T, p.Glu482Val (NM_001407057.1, NM_001407059.1); c.1322A>T, p.Glu441Val (NM_001407062.1); c.1331A>T, p.Glu444Val (NM_001407063.1, NM_181830.3, NM_181831.3); c.1046A>T, p.Glu349Val (NM_001407065.1); c.1580A>T, p.Glu527Val (NM_001407066.1, NM_016418.5, NM_181825.3 and 1 more transcripts); and 2 more; short protein forms E450V, E489V, E444V, E486V, E527V, E482V, E485V, E349V.
Identifiers: ClinVar variation 1775687 (VCV001775687.8), dbSNP rs2067131592, ClinGen allele CA411149997.

ClinVar aggregate classification (germline): Uncertain significance. Review status: criteria provided, multiple submitters, no conflicts (2 of 4 stars). 4 submissions from 4 submitters: Uncertain significance (4). Last evaluated 2025-08-15.

Conditions:
Neurofibromatosis, type 2 (SWNV). Also called: BILATERAL ACOUSTIC NEUROFIBROMATOSIS; NF2-Related Schwannomatosis; SCHWANNOMATOSIS, VESTIBULAR. Identifiers: Orphanet 637, MedGen C0027832, MONDO:0007039, OMIM 101000. Disease mechanism: loss of function.
Hereditary cancer-predisposing syndrome. Also called: Hereditary Cancer Syndrome; Hereditary neoplastic syndrome; Neoplastic Syndromes, Hereditary; Tumor predisposition. Identifiers: Orphanet 140162, MedGen C0027672, MeSH D009386, MONDO:0015356.

Allele frequency attached by ClinVar (database versions not stated): gnomAD exomes below 0.00001; gnomAD 0.00001.
gnomAD v4.1: 2 of 1,613,912 alleles (0.00012%); highest among the groups gnomAD compares: African/African-American, 0.0027%; no homozygotes.

Submissions (4):

Ambry Genetics
Classification: Uncertain significance for Hereditary cancer-predisposing syndrome. Last evaluated: 2025-08-15. Review status: criteria provided, single submitter. Criteria: Ambry Variant Classification Scheme 2023. Collection method: clinical testing. Allele origin: germline.
Comment: The p.E527V variant (also known as c.1580A>T), located in coding exon 15 of the NF2 gene, results from an A to T substitution at nucleotide position 1580. The glutamic acid at codon 527 is replaced by valine, an amino acid with dissimilar properties. This amino acid position is conserved. In addition, the in silico prediction for this alteration is inconclusive. Since supporting evidence is limited at this time, the clinical significance of this alteration remains unclear.

All of Us Research Program, National Institutes of Health
Classification: Uncertain significance for Neurofibromatosis, type 2. Last evaluated: 2023-11-02. Review status: criteria provided, single submitter. Criteria: ACMG Guidelines, 2015. Collection method: clinical testing. Allele origin: germline. Inheritance: Autosomal dominant inheritance. Observed: 1 variant allele, 1 heterozygote.
Comment: This missense variant replaces glutamic acid with valine at codon 527 of the NF2 protein. Computational prediction is inconclusive regarding the impact of this variant on protein structure and function (internally defined REVEL score threshold 0.5 < inconclusive < 0.7, PMID: 27666373). To our knowledge, functional studies have not been reported for this variant. This variant has not been reported in individuals affected with NF2-related disorders in the literature. This variant has not been identified in the general population by the Genome Aggregation Database (gnomAD). The available evidence is insufficient to determine the role of this variant in disease conclusively. Therefore, this variant is classified as a Variant of Uncertain Significance.

This study involves interpretation of variants in research participants for the purpose of population health screening. Participant phenotype was not available at the time of variant classification. Additional details can be found in publication PMID: 35346344, PMCID: PMC8962531

Labcorp Genetics (formerly Invitae), Labcorp
Classification: Uncertain significance for Neurofibromatosis, type 2. Last evaluated: 2023-06-21. Review status: criteria provided, single submitter. Criteria: Invitae Variant Classification Sherloc (09022015). Collection method: clinical testing. Allele origin: germline.
Comment: ClinVar contains an entry for this variant (Variation ID: 1775687). This variant has not been reported in the literature in individuals affected with NF2-related conditions. This variant is not present in population databases (gnomAD no frequency). This sequence change replaces glutamic acid, which is acidic and polar, with valine, which is neutral and non-polar, at codon 527 of the NF2 protein (p.Glu527Val). In summary, the available evidence is currently insufficient to determine the role of this variant in disease. Therefore, it has been classified as a Variant of Uncertain Significance. Advanced modeling of protein sequence and biophysical properties (such as structural, functional, and spatial information, amino acid conservation, physicochemical variation, residue mobility, and thermodynamic stability) performed at Invitae indicates that this missense variant is expected to disrupt NF2 protein function.

Blueprint Genetics
Classification: Uncertain significance. Last evaluated: 2022-11-04. Review status: criteria provided, single submitter. Criteria: ACMG Guidelines, 2015. Collection method: clinical testing. Allele origin: germline.